The following is an entry in ClinVar:

NM_018026.4(PACS1):c.2281C>A (p.Pro761Thr)

Gene: PACS1 (phosphofurin acidic cluster sorting protein 1; plus strand). Cytogenetic location: 11q13.2.
Variant type: single nucleotide variant.
Coding change: c.2281C>A on transcript NM_018026.4 (MANE Select); coding-DNA position 2281, C replaced by A.
Protein change: p.Pro761Thr; replaces proline 761 with threonine.
Molecular consequence: missense variant.
Genome position (GRCh38, 1-based): chr11:66,238,834, C>A. VCF-style: chr11-66238834-C-A. GRCh37 (hg19) VCF-style: chr11-66006305-C-A.
Other names: c.2281C>A (NM_018026.3, NM_018026.2); short protein forms P761T.
Identifiers: ClinVar variation 1098662 (VCV001098662.8), dbSNP rs578033982, ClinGen allele CA6116830.
Genomic context (GRCh38, chr11:66,238,834, plus strand): 5'-ATCTAATGAGTGCCTCTTCTCTCCTTGCAGGTGGTGAAGGTGGGTCTGGTTGAAGACTCT[C>A]CCTCCACAGCAGGTGAGGCTGGGGCTCCCTTGTTCTGTGGAGTGAGGCTGGTGCCCTCCC-3'
Protein context (NP_060496.2, residues 751-771): VVKVGLVEDS[Pro761Thr]STAGDGDDSP

ClinVar aggregate classification (germline): Conflicting classifications of pathogenicity. Review status: criteria provided, conflicting classifications (1 of 4 stars). 4 submissions from 4 submitters: Uncertain significance (3); Likely benign (1). Last evaluated 2024-11-18.

Conditions:
Inborn genetic diseases. Identifiers: MedGen C0950123, MeSH D030342.
Schuurs-Hoeijmakers syndrome. Also called: PACS1-Related Neurodevelopmental Disorder. Identifiers: Orphanet 329224, MedGen C3554343, MONDO:0014006, OMIM 615009.

Allele frequency attached by ClinVar (database versions not stated): gnomAD exomes below 0.00001; gnomAD 0.00004 and 0.00003; TOPMed 0.00005; 1000 Genomes Project 30x 0.00016; 1000 Genomes Project 0.00020.
gnomAD v4.1: 8 of 1,584,336 alleles (0.0005%); highest among the groups gnomAD compares: African/African-American, 0.0067%; no homozygotes.

Submissions (4):

Labcorp Genetics (formerly Invitae), Labcorp
Classification: Uncertain significance for Schuurs-Hoeijmakers syndrome. Last evaluated: 2024-11-18. Review status: criteria provided, single submitter. Criteria: Invitae Variant Classification Sherloc (09022015). Collection method: clinical testing. Allele origin: germline.
Comment: This sequence change replaces proline, which is neutral and non-polar, with threonine, which is neutral and polar, at codon 761 of the PACS1 protein (p.Pro761Thr). The frequency data for this variant in the population databases is considered unreliable, as metrics indicate poor data quality at this position in the gnomAD database. This variant has not been reported in the literature in individuals affected with PACS1-related conditions. ClinVar contains an entry for this variant (Variation ID: 1098662). Invitae Evidence Modeling of protein sequence and biophysical properties (such as structural, functional, and spatial information, amino acid conservation, physicochemical variation, residue mobility, and thermodynamic stability) indicates that this missense variant is not expected to disrupt PACS1 protein function with a negative predictive value of 80%. In summary, the available evidence is currently insufficient to determine the role of this variant in disease. Therefore, it has been classified as a Variant of Uncertain Significance.

Ambry Genetics
Classification: Likely benign for Inborn genetic diseases. Last evaluated: 2021-08-17. Review status: criteria provided, single submitter. Criteria: Ambry Variant Classification Scheme 2023. Collection method: clinical testing. Allele origin: germline.

New York Genome Center
Classification: Uncertain significance for Schuurs-Hoeijmakers syndrome. Last evaluated: 2020-06-11. Review status: criteria provided, single submitter. Criteria: NYGC Assertion Criteria 2020. Collection method: clinical testing. Allele origin: inherited. Observed: 1 heterozygote. Study: CSER-NYCKidSeq.

GeneDx
Classification: Uncertain significance. Last evaluated: 2019-12-10. Review status: criteria provided, single submitter. Criteria: GeneDx Variant Classification Process June 2021. Collection method: clinical testing. Allele origin: germline. Affected: yes.
Comment: In silico analysis, which includes protein predictors and evolutionary conservation, supports that this variant does not alter protein structure/function; Has not been previously published as pathogenic or benign to our knowledge